The following is an entry in ClinVar:

ClinVar aggregate classification (germline): Uncertain significance (1 of 4 stars; one submission).

Conditions:
BTAF1-related disorder. Also called: BTAF1-related condition.

Submission:

PreventionGenetics, part of Exact Sciences
Classification: Uncertain significance for BTAF1-related condition. Last evaluated: 2024-10-29. Review status: criteria provided, single submitter. Criteria: ACMG Guidelines, 2015. Collection method: clinical testing. Allele origin: germline.
Comment: The BTAF1 c.2903G>A variant is predicted to result in the amino acid substitution p.Arg968Lys. To our knowledge, this variant has not been reported in the literature or in a large population database (gnomAD), indicating this variant is rare. At this time, the clinical significance of this variant is uncertain due to the absence of conclusive functional and genetic evidence.

NM_003972.3(BTAF1):c.2903G>A (p.Arg968Lys)

Gene: BTAF1 (B-TFIID TATA-box binding protein associated factor 1; plus strand). Cytogenetic location: 10q23.32.
Variant type: single nucleotide variant.
Coding change: c.2903G>A on transcript NM_003972.3 (MANE Select); coding-DNA position 2903, G replaced by A.
Protein change: p.Arg968Lys; replaces arginine 968 with lysine.
Molecular consequence: missense variant. On other transcripts: non-coding transcript variant (14).
Genome position (GRCh38, 1-based): chr10:91,992,167, G>A. VCF-style: chr10-91992167-G-A. GRCh37 (hg19) VCF-style: chr10-93751924-G-A.
Other names: short protein forms R968K.
Identifiers: ClinVar variation 4990483 (VCV004990483.1).
Genomic context (GRCh38, chr10:91,992,167, plus strand): 5'-TTTTCTTATTAGGATCCACCTCAGAAAAAGATGGAATGCACCATACTGTCACCAAGCACA[G>A]AGGTATAATTACACTCTACAGGCACCAGAAAGCTGCCTTTGCTATCACAAGTAGGCGAGG-3'
Protein context (NP_003963.1, residues 958-978): DGMHHTVTKH[Arg968Lys]GIITLYRHQK